The following is an entry in ClinVar:

ClinVar aggregate classification (germline): Conflicting classifications of pathogenicity. Review status: criteria provided, conflicting classifications (1 of 4 stars). 4 submissions from 4 submitters: Uncertain significance (1); Benign (1); Likely benign (2). Last evaluated 2025-03-06.

Conditions:
Hereditary spherocytosis type 1. Also called: Spherocytosis type 1; ANK1-Related Spherocytosis. Identifiers: Orphanet 822, MedGen C2674218, MONDO:0008447, OMIM 182900.
ANK1-related disorder. Also called: ANK1-related condition.

Allele frequency attached by ClinVar (database versions not stated): gnomAD exomes 0.00012 and 0.00028; ExAC 0.00041; ESP Exome Variant Server 0.00100; TOPMed 0.00134; gnomAD 0.00138 and 0.00150; 1000 Genomes Project 0.00140; 1000 Genomes Project 30x 0.00141.
gnomAD v4.1: 382 of 1,613,968 alleles (0.024%); highest among the groups gnomAD compares: African/African-American, 0.47%; 1 homozygote.

Submissions (4):

PreventionGenetics, part of Exact Sciences
Classification: Likely benign for ANK1-related condition. Last evaluated: 2025-03-06. Review status: criteria provided, single submitter. Criteria: ACMG Guidelines, 2015. Collection method: clinical testing. Allele origin: germline.
Comment: This variant is classified as likely benign based on ACMG/AMP sequence variant interpretation guidelines (Richards et al. 2015 PMID: 25741868, with internal and published modifications).

Labcorp Genetics (formerly Invitae), Labcorp
Classification: Benign. Last evaluated: 2024-12-02. Review status: criteria provided, single submitter. Criteria: Invitae Variant Classification Sherloc (09022015). Collection method: clinical testing. Allele origin: germline.

ARUP Laboratories, Molecular Genetics and Genomics, ARUP Laboratories
Classification: Likely benign for Hereditary spherocytosis type 1. Last evaluated: 2024-10-24. Review status: criteria provided, single submitter. Criteria: ARUP Molecular Germline Variant Investigation Process 2024. Collection method: clinical testing. Allele origin: germline.

Mayo Clinic Laboratories, Mayo Clinic
Classification: Uncertain significance. Last evaluated: 2022-09-26. Review status: criteria provided, single submitter. Criteria: ACMG Guidelines, 2015. Collection method: clinical testing. Allele origin: germline. Observed: 5 variant alleles.

NM_000037.4(ANK1):c.2745G>A (p.Val915=)

Gene: ANK1 (ankyrin 1; minus strand). Cytogenetic location: 8p11.21.
Variant type: single nucleotide variant.
Coding change: c.2745G>A on transcript NM_000037.4 (MANE Select); coding-DNA position 2745, G replaced by A.
Protein change: p.Val915=; no amino-acid change (valine 915 retained).
Molecular consequence: synonymous variant.
Genome position (GRCh38, 1-based): chr8:41,696,578, C>T on the plus strand (G>A on the coding strand, the complement: ANK1 is on the minus strand). VCF-style: chr8-41696578-C-T. GRCh37 (hg19) VCF-style: chr8-41554096-C-T.
Other names: p.Val915=; c.2868G>A, p.Val956= (NM_001142446.2); c.2745G>A, p.Val915= (NM_020475.3, NM_020476.3, NM_020477.3); c.2745G>A (NM_020476.2).
Identifiers: ClinVar variation 709246 (VCV000709246.18), dbSNP rs143585080, ClinGen allele CA4728093.